The following is an entry in ClinVar:

NM_001868.4(CPA1):c.455A>G (p.Tyr152Cys)

Gene: CPA1 (carboxypeptidase A1; plus strand). Cytogenetic location: 7q32.2.
Variant type: single nucleotide variant.
Coding change: c.455A>G on transcript NM_001868.4 (MANE Select); coding-DNA position 455, A replaced by G.
Protein change: p.Tyr152Cys; replaces tyrosine 152 with cysteine.
Molecular consequence: missense variant.
Genome position (GRCh38, 1-based): chr7:130,382,181, A>G. VCF-style: chr7-130382181-A-G. GRCh37 (hg19) VCF-style: chr7-130022022-A-G.
Other names: short protein forms Y152C.
Identifiers: ClinVar variation 3496212 (VCV003496212.1).
Genomic context (GRCh38, chr7:130,382,181, plus strand): 5'-TGGACCTGCTGGTGGCGGAGAACCCGCACCTTGTCAGCAAGATCCAGATTGGCAACACCT[A>G]TGAAGGGCGTCCCATTTACGTGCTGAAGGTAACATCCACATGTGGACATACACAGGGGAG-3'
Protein context (NP_001859.1, residues 142-162): LVSKIQIGNT[Tyr152Cys]EGRPIYVLKF

ClinVar aggregate classification (germline): Uncertain significance (1 of 4 stars; one submission).

Conditions:
Hereditary pancreatitis (PCTT). Also called: Hereditary chronic pancreatitis; PRSS1-Related Hereditary Pancreatitis. Identifiers: Orphanet 676, MedGen C0238339, MONDO:0008185, OMIM 167800.

gnomAD v4.1: 2 of 1,614,096 alleles (0.00012%); highest among the groups gnomAD compares: Non-Finnish European, 0.00017%; no homozygotes.

Submission:

Ambry Genetics
Classification: Uncertain significance for Hereditary pancreatitis. Last evaluated: 2024-10-14. Review status: criteria provided, single submitter. Criteria: Ambry Variant Classification Scheme 2023. Collection method: clinical testing. Allele origin: germline.
Comment: The p.Y152C variant (also known as c.455A>G), located in coding exon 4 of the CPA1 gene, results from an A to G substitution at nucleotide position 455. The tyrosine at codon 152 is replaced by cysteine, an amino acid with highly dissimilar properties. This amino acid position is conserved. In addition, this alteration is predicted to be tolerated by in silico analysis. Based on the available evidence, the clinical significance of this variant remains unclear.